The following is an entry in ClinVar:

NM_001370466.1(NOD2):c.1765G>A (p.Ala589Thr)

Gene: NOD2 (nucleotide binding oligomerization domain containing 2; plus strand). Cytogenetic location: 16q12.1.
Variant type: single nucleotide variant.
Coding change: c.1765G>A on transcript NM_001370466.1 (MANE Select); coding-DNA position 1765, G replaced by A.
Protein change: p.Ala589Thr; replaces alanine 589 with threonine.
Molecular consequence: missense variant. On other transcripts: non-coding transcript variant (1).
Genome position (GRCh38, 1-based): chr16:50,711,757, G>A. VCF-style: chr16-50711757-G-A. GRCh37 (hg19) VCF-style: chr16-50745668-G-A.
Other names: c.1765G>A, p.Ala589Thr (NM_001293557.2); c.1846G>A, p.Ala616Thr (NM_022162.3); short protein forms A589T, A616T.
Identifiers: ClinVar variation 1006032 (VCV001006032.9), dbSNP rs747674172, ClinGen allele CA8051637.
Genomic context (GRCh38, chr16:50,711,757, plus strand): 5'-ACGGCGCCCCTGGAATTCCTTCACATCACTTTCCAGTGCTTCTTTGCCGCGTTCTACCTG[G>A]CACTCAGTGCTGATGTGCCACCAGCTTTGCTCAGACACCTCTTCAATTGTGGCAGGCCAG-3'
Protein context (NP_001357395.1, residues 579-599): FQCFFAAFYL[Ala589Thr]LSADVPPALL

ClinVar aggregate classification (germline): Uncertain significance (1 of 4 stars; one submission).

Conditions:
Regional enteritis. Also called: Enteritis, Granulomatous. Identifiers: MedGen C0678202, MeSH D003424.
Blau syndrome (BLAUS). Also called: GRANULOMATOSIS, FAMILIAL JUVENILE SYSTEMIC; GRANULOMATOSIS, FAMILIAL, BLAU TYPE; GRANULOMATOUS INFLAMMATORY ARTHRITIS, DERMATITIS, AND UVEITIS, FAMILIAL; JABS SYNDROME; ARTHROCUTANEOUVEAL GRANULOMATOSIS. Identifiers: Orphanet 90340, MedGen C5201146, MONDO:0008523, OMIM 186580.

Allele frequency attached by ClinVar (database versions not stated): gnomAD exomes below 0.00001 and 0.00001; gnomAD 0.00001; TOPMed 0.00001; ExAC 0.00002.
gnomAD v4.1: 8 of 1,614,074 alleles (0.0005%); highest among the groups gnomAD compares: East Asian, 0.0022%; no homozygotes.

Submission:

Labcorp Genetics (formerly Invitae), Labcorp
Classification: Uncertain significance for Regional enteritis; Blau syndrome. Last evaluated: 2025-09-29. Review status: criteria provided, single submitter. Criteria: Invitae Variant Classification Sherloc (09022015). Collection method: clinical testing. Allele origin: germline.
Comment: This sequence change replaces alanine, which is neutral and non-polar, with threonine, which is neutral and polar, at codon 616 of the NOD2 protein (p.Ala616Thr). The frequency data for this variant in the population databases is considered unreliable, as metrics indicate poor data quality at this position in the gnomAD database. This variant has not been reported in the literature in individuals affected with NOD2-related conditions. ClinVar contains an entry for this variant (Variation ID: 1006032). Invitae Evidence Modeling of protein sequence and biophysical properties (such as structural, functional, and spatial information, amino acid conservation, physicochemical variation, residue mobility, and thermodynamic stability) indicates that this missense variant is not expected to disrupt NOD2 protein function with a negative predictive value of 95%. In summary, the available evidence is currently insufficient to determine the role of this variant in disease. Therefore, it has been classified as a Variant of Uncertain Significance.